The following is an entry in ClinVar:

NM_000264.5(PTCH1):c.3841A>G (p.Asn1281Asp)

Gene: PTCH1 (patched 1; minus strand). Cytogenetic location: 9q22.32.
Variant type: single nucleotide variant.
Coding change: c.3841A>G on transcript NM_000264.5 (MANE Select); coding-DNA position 3841, A replaced by G.
Protein change: p.Asn1281Asp; replaces asparagine 1281 with aspartic acid.
Molecular consequence: missense variant. On other transcripts: non-coding transcript variant (1).
Genome position (GRCh38, 1-based): chr9:95,447,415, T>C on the plus strand (A>G on the coding strand, the complement: PTCH1 is on the minus strand). VCF-style: chr9-95447415-T-C. GRCh37 (hg19) VCF-style: chr9-98209697-T-C.
Other names: c.3643A>G, p.Asn1215Asp (NM_001083602.3); c.3838A>G, p.Asn1280Asp (NM_001083603.3); c.3388A>G, p.Asn1130Asp (NM_001083604.3, NM_001083605.3, NM_001083606.3 and 1 more transcripts); c.3685A>G, p.Asn1229Asp (NM_001354918.2); short protein forms N1130D, N1215D, N1229D, N1280D, N1281D.
Identifiers: ClinVar variation 1023730 (VCV001023730.10), dbSNP rs1838051752, ClinGen allele CA374110816.
Genomic context (GRCh38, chr9:95,447,415, plus strand): 5'-GCTGGCCTTGCCGTCCGGGAGGCAGGGACCCTGAGTCCAGGTGGGGCTGCTGTCTCGGGT[T>C]CGAGGGTGGGTGATGCCTGGATTCGGGATGGACCACCTGCAGAGGGTGAGGGTGGGTTAG-3'
Protein context (NP_000255.2, residues 1271-1291): HPESRHHPPS[Asn1281Asp]PRQQPHLDSG

ClinVar aggregate classification (germline): Uncertain significance. Review status: criteria provided, multiple submitters, no conflicts (2 of 4 stars). 2 submissions from 2 submitters: Uncertain significance (2). Last evaluated 2024-08-05.

Conditions:
Gorlin syndrome. Also called: Nevoid Basal Cell Carcinoma Syndrome; Basal cell nevus syndrome. Identifiers: Orphanet 377, MedGen C0004779, MONDO:0007187.
Hereditary cancer-predisposing syndrome. Also called: Hereditary neoplastic syndrome; Neoplastic Syndromes, Hereditary; Tumor predisposition; Hereditary Cancer Syndrome. Identifiers: Orphanet 140162, MedGen C0027672, MeSH D009386, MONDO:0015356.

Allele frequency attached by ClinVar (database versions not stated): gnomAD 0.00001.
gnomAD v4.1: 1 of 1,604,600 alleles (0.000062%); highest among the groups gnomAD compares: African/African-American, 0.0013%; no homozygotes.

Submissions (2):

Ambry Genetics
Classification: Uncertain significance for Hereditary cancer-predisposing syndrome. Last evaluated: 2024-08-05. Review status: criteria provided, single submitter. Criteria: Ambry Variant Classification Scheme 2023. Collection method: clinical testing. Allele origin: germline.
Comment: The p.N1281D variant (also known as c.3841A>G), located in coding exon 23 of the PTCH1 gene, results from an A to G substitution at nucleotide position 3841. The asparagine at codon 1281 is replaced by aspartic acid, an amino acid with highly similar properties. This amino acid position is not well conserved in available vertebrate species. In addition, this alteration is predicted to be tolerated by in silico analysis. Based on the available evidence, the clinical significance of this variant remains unclear.

Labcorp Genetics (formerly Invitae), Labcorp
Classification: Uncertain significance for Gorlin syndrome. Last evaluated: 2022-09-01. Review status: criteria provided, single submitter. Criteria: Invitae Variant Classification Sherloc (09022015). Collection method: clinical testing. Allele origin: germline.
Comment: In summary, the available evidence is currently insufficient to determine the role of this variant in disease. Therefore, it has been classified as a Variant of Uncertain Significance. Advanced modeling of protein sequence and biophysical properties (such as structural, functional, and spatial information, amino acid conservation, physicochemical variation, residue mobility, and thermodynamic stability) performed at Invitae indicates that this missense variant is not expected to disrupt PTCH1 protein function. ClinVar contains an entry for this variant (Variation ID: 1023730). This variant has not been reported in the literature in individuals affected with PTCH1-related conditions. This variant is not present in population databases (gnomAD no frequency). This sequence change replaces asparagine, which is neutral and polar, with aspartic acid, which is acidic and polar, at codon 1281 of the PTCH1 protein (p.Asn1281Asp).